The following is an entry in ClinVar:

NM_000751.3(CHRND):c.1530C>T (p.Asn510=)

Gene: CHRND (cholinergic receptor nicotinic delta subunit; plus strand). Cytogenetic location: 2q37.1.
Variant type: single nucleotide variant.
Coding change: c.1530C>T on transcript NM_000751.3 (MANE Select); coding-DNA position 1530, C replaced by T.
Protein change: p.Asn510=; no amino-acid change (asparagine 510 retained).
Molecular consequence: synonymous variant.
Genome position (GRCh38, 1-based): chr2:232,535,288, C>T. VCF-style: chr2-232535288-C-T. GRCh37 (hg19) VCF-style: chr2-233399998-C-T.
Other names: c.1485C>T, p.Asn495= (NM_001256657.2); c.948C>T, p.Asn316= (NM_001311195.2); c.1227C>T, p.Asn409= (NM_001311196.2).
Identifiers: ClinVar variation 288058 (VCV000288058.22), dbSNP rs114463490, ClinGen allele CA2168375.
Genomic context (GRCh38, chr2:232,535,288, plus strand): 5'-GCAGGGCGTTTACAACCAGCCACCACCCCAGCCTTTTCCTGGGGACCCCTACTCCTACAA[C>T]GTGCAGGACAAGCGCTTCATCTAGGGTGGGCCTGTTGGGGAGCCAGGAGACAGCAGGGTC-3'
Protein context (NP_000742.1, residues 500-517): QPFPGDPYSY[Asn510=]VQDKRFI

ClinVar aggregate classification (germline): Conflicting classifications of pathogenicity. Review status: criteria provided, conflicting classifications (1 of 4 stars). 5 submissions from 4 submitters: Uncertain significance (1); Benign (1); Likely benign (3). Last evaluated 2026-01-14.

Conditions:
Lethal multiple pterygium syndrome (LMPS). Identifiers: Orphanet 33108, MedGen C1854678, MONDO:0009668, OMIM 253290.
Congenital myasthenic syndrome (CMS). Also called: Congenital Myasthenic Syndromes. Identifiers: Orphanet 590, MedGen C0751882, MeSH D020294, MONDO:0018940.

Allele frequency attached by ClinVar (database versions not stated): gnomAD exomes 0.00044; ExAC 0.00059; gnomAD 0.00155 and 0.00175; 1000 Genomes Project 0.00160; ESP Exome Variant Server 0.00200; TOPMed 0.00201; 1000 Genomes Project 30x 0.00203.
gnomAD v4.1: 531 of 1,613,960 alleles (0.033%); highest among the groups gnomAD compares: African/African-American, 0.54%; 1 homozygote.

Submissions (5):

Labcorp Genetics (formerly Invitae), Labcorp
Classification: Benign for Lethal multiple pterygium syndrome. Last evaluated: 2026-01-14. Review status: criteria provided, single submitter. Criteria: Invitae Variant Classification Sherloc (09022015). Collection method: clinical testing. Allele origin: germline.

Blueprint Genetics
Classification: Likely benign. Last evaluated: 2024-10-09. Review status: criteria provided, single submitter. Criteria: ACMG Guidelines, 2015. Collection method: clinical testing. Allele origin: germline.

Illumina Laboratory Services, Illumina
Classification: Likely benign for Lethal multiple pterygium syndrome. Last evaluated: 2018-01-12. Review status: criteria provided, single submitter. Criteria: ICSL Variant Classification Criteria 13 December 2019. Collection method: clinical testing. Allele origin: germline.
Comment: This variant was observed in the ICSL laboratory as part of a predisposition screen in an ostensibly healthy population. It had not been previously curated by ICSL or reported in the Human Gene Mutation Database (HGMD: prior to June 1st, 2018), and was therefore a candidate for classification through an automated scoring system. Utilizing variant allele frequency, disease prevalence and penetrance estimates, and inheritance mode, an automated score was calculated to assess if this variant is too frequent to cause the disease. Based on the score and internal cut-off values, a variant classified as likely benign is not then subjected to further curation. The score for this variant resulted in a classification of likely benign for this disease.

Illumina Laboratory Services, Illumina
Classification: Likely benign for Congenital myasthenic syndrome. Last evaluated: 2018-01-12. Review status: criteria provided, single submitter. Criteria: ICSL Variant Classification Criteria 13 December 2019. Collection method: clinical testing. Allele origin: germline.
Comment: the same text as in the submission from Illumina Laboratory Services, Illumina above.

Eurofins Ntd Llc (ga)
Classification: Uncertain significance. Last evaluated: 2016-06-03. Review status: criteria provided, single submitter. Criteria: EGL Classification Definitions 2015. Collection method: clinical testing. Allele origin: germline. Observed: 1 variant allele, 1 heterozygote.